The following is an entry in ClinVar:

NM_001318852.2(MAPK8IP3):c.3893-5C>A

Gene: MAPK8IP3 (mitogen-activated protein kinase 8 interacting protein 3; plus strand). Cytogenetic location: 16p13.3.
Variant type: single nucleotide variant.
Coding change: c.3893-5C>A on transcript NM_001318852.2 (MANE Select); 5 bases into the intron before coding-DNA position 3893, C replaced by A.
Molecular consequence: intron variant.
Genome position (GRCh38, 1-based): chr16:1,768,698, C>A. VCF-style: chr16-1768698-C-A. GRCh37 (hg19) VCF-style: chr16-1818699-C-A.
Other names: c.3890-5C>A (NM_015133.5); c.3872-5C>A (NM_001040439.2).
Identifiers: ClinVar variation 1334577 (VCV001334577.4), dbSNP rs746848863, ClinGen allele CA2201822388.
Genomic context (GRCh38, chr16:1,768,698, plus strand): 5'-CCAGGGACAGGGCTGAGGTTGGGCGCGGGGGGAGCCTGGCCGTCACTCTGCTGCTTTGCC[C>A]GCAGGAGACGGAGAGGACGACGAGACGGAGGAGGGCGCAGGGGACATGAGCCAGGTGAAG-3'

ClinVar aggregate classification (germline): Uncertain significance (1 of 4 stars; one submission).

Submission:

Greenwood Genetic Center Diagnostic Laboratories, Greenwood Genetic Center
Classification: Uncertain significance. Last evaluated: 2021-09-02. Review status: criteria provided, single submitter. Criteria: ACMG Guidelines, 2015. Collection method: clinical testing. Allele origin: germline. Affected: yes.
Comment: PP3, PM2